The following is an entry in ClinVar:

ClinVar aggregate classification (germline): Pathogenic. Review status: criteria provided, multiple submitters, no conflicts (2 of 4 stars). 4 submissions from 4 submitters: Pathogenic (4). Last evaluated 2025-08-14.

Conditions:
Melanoma-pancreatic cancer syndrome. Identifiers: Orphanet 404560, MedGen C1838547, MONDO:0011713, OMIM 606719. Disease mechanism: loss of function.
Hereditary cancer-predisposing syndrome. Also called: Tumor predisposition; Hereditary neoplastic syndrome; Hereditary Cancer Syndrome; Neoplastic Syndromes, Hereditary. Identifiers: Orphanet 140162, MedGen C0027672, MeSH D009386, MONDO:0015356.

Submissions (4):

Myriad Genetics, Inc.
Classification: Pathogenic for Melanoma-pancreatic cancer syndrome. Last evaluated: 2025-08-14. Review status: criteria provided, single submitter. Criteria: Myriad Autosomal Dominant, Autosomal Recessive and X-Linked Classification Criteria (2023). Collection method: clinical testing. Allele origin: unknown.
Comment: This variant is considered pathogenic. This variant creates a frameshift predicted to result in premature protein truncation.

Molecular Diagnostics Laboratory, Catalan Institute of Oncology
Classification: Pathogenic for Hereditary cancer-predisposing syndrome. Last evaluated: 2025-05-22. Review status: criteria provided, single submitter. Criteria: ACMG Guidelines, 2015. Collection method: clinical testing. Allele origin: germline.
Comment: PVS1, PS4_Moderate, PM2_Supporting, PP1 c.106del, located in exon 1 of the CDKN2A gene, consists in the deletion of one nucleotide, causing a translational frameshift with a predicted alternate stop codon (p.(Ala36Argfs*17)).This alteration is expected to result in loss of function by premature protein truncation or nonsense-mediated mRNA decay (PVS1). It is not present in the population database gnomAD v2.1.1, non-cancer dataset (PM2_Supporting). The SpliceAI algorithm predicts no significant impact on splicing. This variant has been reported in at least 9 families/individuals affected with melanoma (internal data, PMID: 22083977, 26681309) (PS4_Moderate) and in individuals affected with head and neck cancer (PMID: 22083977 and internal data). The variant co-segregates in affected individuals of the same family (3 meiosis, internal data) (PP1). In addition, it has been identified in the ClinVar database (2x pathogenic) but it has not been reported in the LOVD database. Based on currently available information, the variant c.106del is classified as a pathogenic variant according to ACMG guidelines.

Ambry Genetics
Classification: Pathogenic for Hereditary cancer-predisposing syndrome. Last evaluated: 2024-03-05. Review status: criteria provided, single submitter. Criteria: Ambry Variant Classification Scheme 2023. Collection method: clinical testing. Allele origin: germline.
Comment: The c.106delG pathogenic mutation, located in coding exon 1 of the CDKN2A gene, results from a deletion of one nucleotide at nucleotide position 106, causing a translational frameshift with a predicted alternate stop codon (p.A36Rfs*17). This variant was identified in a family meeting clinical criteria for melanoma-pancreatic cancer syndrome. Multiple other affected individuals of Spanish ancestry have also tested positive for this mutation (Potrony M et al. J Am Acad Dermatol, 2014 Nov;71:888-95; Puig S et al. Genet Med, 2016 Jul;18:727-36). In addition to the clinical data presented in the literature, this alteration is expected to result in loss of function by premature protein truncation or nonsense-mediated mRNA decay. As such, this alteration is interpreted as a disease-causing mutation.

Color Diagnostics, LLC DBA Color Health
Classification: Pathogenic for Hereditary cancer-predisposing syndrome. Last evaluated: 2020-12-21. Review status: criteria provided, single submitter. Criteria: ACMG Guidelines, 2015. Collection method: clinical testing. Allele origin: germline.
Comment: This variant deletes 1 nucleotide in exon 1 of the CDKN2A (p16INK4A) gene, creating a frameshift and premature translation stop signal. This variant is expected to result in an absent or non-functional protein product. To our knowledge, this variant has not been reported in individuals affected with hereditary cancer in the literature. This variant has not been identified in the general population by the Genome Aggregation Database (gnomAD). Loss of CDKN2A function is a known mechanism of disease. Based on the available evidence, this variant is classified as Pathogenic.

Literature cited by the submitters: PubMed 22083977 (cited by Ambry Genetics); PubMed 25064638 (cited by Ambry Genetics); PubMed 26681309 (cited by Ambry Genetics).

NM_000077.5(CDKN2A):c.106del (p.Ala36fs)

Gene: CDKN2A (cyclin dependent kinase inhibitor 2A; minus strand). Cytogenetic location: 9p21.3.
Variant type: Deletion.
Coding change: c.106del on transcript NM_000077.5; coding-DNA position 106, one base deleted (G; older notation c.106delG).
Protein change: p.Ala36fs; shifts the reading frame from alanine 36.
Molecular consequence: frameshift variant (on NM_000077.4). On other transcripts: intron variant (2).
Genome position (GRCh38, 1-based): chr9:21,974,722, C deleted on the plus strand (G on the coding strand, the reverse complement: CDKN2A is on the minus strand); the first of 5 consecutive C bases (chr9:21,974,722-21,974,726); deleting any one gives the same sequence. VCF-style (leftmost placement, unchanged base first): chr9-21974721-GC-G. GRCh37 (hg19) VCF-style: chr9-21974720-GC-G.
Other names: c.106delG (NM_000077.4); c.102delG, p.Ala36Argfs (NM_000077.4, NM_000077.6); c.106del, p.Ala36fs (NM_001195132.2, NM_058197.5); c.-3-3514del (NM_001363763.2); c.194-3514del (NM_058195.4); short protein forms A36fs.
Identifiers: ClinVar variation 1171238 (VCV001171238.5), dbSNP rs398123152, ClinGen allele CA645552612.
Genomic context (GRCh38, chr9:21,974,721, plus strand): 5'-GCAGACCCTCTACCCACCTGGATCGGCCTCCGACCGTAACTATTCGGTGCGTTGGGCAGC[GC>G]CCCCGCCTCCAGCAGCGCCCGCACCTCCTCTACCCGACCCCGGGCCGCGGCCGTGGCCAG-3'